The following is an entry in ClinVar:

ClinVar aggregate classification (germline): Uncertain significance. Review status: criteria provided, multiple submitters, no conflicts (2 of 4 stars). 2 submissions from 2 submitters: Uncertain significance (2). Last evaluated 2025-12-27.

Conditions:
Cystic fibrosis (CF). Also called: MUCOVISCIDOSIS. Identifiers: Orphanet 586, MedGen C0010674, MONDO:0009061, OMIM 219700. Disease mechanism: loss of function.

Allele frequency attached by ClinVar (database versions not stated): gnomAD exomes below 0.00001; TOPMed below 0.00001.
gnomAD v4.1: 2 of 1,608,782 alleles (0.00012%); highest among the groups gnomAD compares: East Asian, 0.0045%; no homozygotes.

Submissions (2):

Labcorp Genetics (formerly Invitae), Labcorp
Classification: Uncertain significance for Cystic fibrosis. Last evaluated: 2025-12-27. Review status: criteria provided, single submitter. Criteria: Invitae Variant Classification Sherloc (09022015). Collection method: clinical testing. Allele origin: germline.
Comment: This sequence change replaces phenylalanine, which is neutral and non-polar, with leucine, which is neutral and non-polar, at codon 81 of the CFTR protein (p.Phe81Leu). This variant is present in population databases (no rsID available, gnomAD 0.01%). This missense change has been observed in individual(s) with cystic fibrosis (PMID: 37867076). ClinVar contains an entry for this variant (Variation ID: 1706005). Invitae Evidence Modeling of protein sequence and biophysical properties (such as structural, functional, and spatial information, amino acid conservation, physicochemical variation, residue mobility, and thermodynamic stability) has been performed for this missense variant. However, the output from this modeling did not meet the statistical confidence thresholds required to predict the impact of this variant on CFTR protein function. In summary, the available evidence is currently insufficient to determine the role of this variant in disease. Therefore, it has been classified as a Variant of Uncertain Significance.

Institute of Human Genetics, University of Leipzig Medical Center
Classification: Uncertain significance for Cystic fibrosis. Last evaluated: 2022-09-05. Review status: criteria provided, single submitter. Criteria: ACMG Guidelines, 2015. Collection method: curation. Allele origin: unknown. Affected: yes. Observed: 1 variant allele.
Comment: The variant was classified in the context of a project re-classifying variants in the German Cystic Fibrosis Registry (Muko.e.V.). Criteria applied: PM2_SUP, PP3

Literature cited by the submitters: PubMed 37867076 (cited by Labcorp Genetics (formerly Invitae), Labcorp).

NM_000492.4(CFTR):c.241T>C (p.Phe81Leu)

Gene: CFTR (CF transmembrane conductance regulator; plus strand). Cytogenetic location: 7q31.2.
Variant type: single nucleotide variant.
Coding change: c.241T>C on transcript NM_000492.4 (MANE Select); coding-DNA position 241, T replaced by C.
Protein change: p.Phe81Leu; replaces phenylalanine 81 with leucine.
Molecular consequence: missense variant.
Genome position (GRCh38, 1-based): chr7:117,509,110, T>C. VCF-style: chr7-117509110-T-C. GRCh37 (hg19) VCF-style: chr7-117149164-T-C.
Other names: short protein forms F81L.
Identifiers: ClinVar variation 1706005 (VCV001706005.2), dbSNP rs1166373038, ClinGen allele CA368972250.